The following is an entry in ClinVar:

ClinVar aggregate classification (germline): Uncertain significance. Review status: criteria provided, multiple submitters, no conflicts (2 of 4 stars). 3 submissions from 3 submitters: Uncertain significance (3). Last evaluated 2023-02-17.

Conditions:
Hereditary cancer-predisposing syndrome. Also called: Tumor predisposition; Hereditary neoplastic syndrome; Hereditary Cancer Syndrome; Neoplastic Syndromes, Hereditary. Identifiers: Orphanet 140162, MedGen C0027672, MeSH D009386, MONDO:0015356.
Multiple endocrine neoplasia, type 2 (MEN2). Identifiers: Orphanet 653, MedGen C4048306, MONDO:0019003. Disease mechanism: gain of function.

Submissions (3):

GeneDx
Classification: Uncertain significance. Last evaluated: 2023-02-17. Review status: criteria provided, single submitter. Criteria: GeneDx Variant Classification Process June 2021. Collection method: clinical testing. Allele origin: germline. Affected: yes.
Comment: Not observed at significant frequency in large population cohorts (gnomAD); In silico analysis supports that this missense variant has a deleterious effect on protein structure/function; Has not been previously published as pathogenic or benign to our knowledge; This variant is associated with the following publications: (PMID: 14633923)

Ambry Genetics
Classification: Uncertain significance for Hereditary cancer-predisposing syndrome. Last evaluated: 2022-04-26. Review status: criteria provided, single submitter. Criteria: Ambry Variant Classification Scheme 2023. Collection method: clinical testing. Allele origin: germline.
Comment: The p.H926Y variant (also known as c.2776C>T), located in coding exon 16 of the RET gene, results from a C to T substitution at nucleotide position 2776. The histidine at codon 926 is replaced by tyrosine, an amino acid with similar properties. This amino acid position is conserved. In addition, the in silico prediction for this alteration is inconclusive. Since supporting evidence is limited at this time, the clinical significance of this alteration remains unclear.

Labcorp Genetics (formerly Invitae), Labcorp
Classification: Uncertain significance for Multiple endocrine neoplasia, type 2. Last evaluated: 2022-01-27. Review status: criteria provided, single submitter. Criteria: Invitae Variant Classification Sherloc (09022015). Collection method: clinical testing. Allele origin: germline.
Comment: In summary, the available evidence is currently insufficient to determine the role of this variant in disease. Therefore, it has been classified as a Variant of Uncertain Significance. Algorithms developed to predict the effect of missense changes on protein structure and function are either unavailable or do not agree on the potential impact of this missense change (SIFT: "Deleterious"; PolyPhen-2: "Probably Damaging"; Align-GVGD: "Class C0"). ClinVar contains an entry for this variant (Variation ID: 578321). This variant has not been reported in the literature in individuals affected with RET-related conditions. This variant is present in population databases (rs774215008, gnomAD 0.003%). This sequence change replaces histidine, which is basic and polar, with tyrosine, which is neutral and polar, at codon 926 of the RET protein (p.His926Tyr).

NM_020975.6(RET):c.2776C>T (p.His926Tyr)

Gene: RET (ret proto-oncogene; plus strand). Cytogenetic location: 10q11.21.
Variant type: single nucleotide variant.
Coding change: c.2776C>T on transcript NM_020975.6 (MANE Select); coding-DNA position 2776, C replaced by T.
Protein change: p.His926Tyr; replaces histidine 926 with tyrosine.
Molecular consequence: missense variant.
Genome position (GRCh38, 1-based): chr10:43,121,991, C>T. VCF-style: chr10-43121991-C-T. GRCh37 (hg19) VCF-style: chr10-43617439-C-T.
Other names: c.2776C>T, p.His926Tyr (NM_000323.2, NM_020630.7, NM_001406743.1 and 4 more transcripts); c.2014C>T, p.His672Tyr (NM_001355216.2); c.2647C>T, p.His883Tyr (NM_001406761.1, NM_001406762.1, NM_001406764.1); c.2641C>T, p.His881Tyr (NM_001406763.1, NM_001406765.1); c.2488C>T, p.His830Tyr (NM_001406766.1, NM_001406767.1, NM_001406770.1); c.2512C>T, p.His838Tyr (NM_001406768.1); c.2380C>T, p.His794Tyr (NM_001406769.1, NM_001406772.1); c.2338C>T, p.His780Tyr (NM_001406771.1, NM_001406773.1); and 10 more; short protein forms H926Y, H672Y, H582Y, H584Y, H587Y, H596Y, H684Y, H883Y.
Identifiers: ClinVar variation 578321 (VCV000578321.14), dbSNP rs774215008, ClinGen allele CA040896.